The following is an entry in ClinVar:

NM_012140.5(SLC25A10):c.763-37G>A

Gene: SLC25A10 (solute carrier family 25 member 10; plus strand). Cytogenetic location: 17q25.3.
Variant type: single nucleotide variant.
Coding change: c.763-37G>A on transcript NM_012140.5 (MANE Select); 37 bases into the intron before coding-DNA position 763, G replaced by A.
Molecular consequence: intron variant.
Genome position (GRCh38, 1-based): chr17:81,719,939, G>A. VCF-style: chr17-81719939-G-A. GRCh37 (hg19) VCF-style: chr17-79686969-G-A.
Other names: c.680-37G>A (NM_001270953.1, NM_001270953.2); c.790-37G>A (NM_001270888.2).
Identifiers: ClinVar variation 446188 (VCV000446188.26), dbSNP rs200706742, ClinGen allele CA8841928.

ClinVar aggregate classification (germline): Benign/Likely benign. Review status: criteria provided, multiple submitters, no conflicts (2 of 4 stars). 3 submissions from 3 submitters: Benign (1); Likely benign (1). 1 of the submissions does not count toward it. Last evaluated 2025-04-01.

Conditions:
SLC25A10-related disorder. Also called: SLC25A10-related condition.
Mitochondrial DNA depletion syndrome 19. Identifiers: MedGen C5436514, MONDO:0033545, OMIM 618972.

Allele frequency attached by ClinVar (database versions not stated): ESP Exome Variant Server 0.00038; gnomAD 0.00053 and 0.00060; TOPMed 0.00073; ExAC 0.00108; gnomAD exomes 0.00114; 1000 Genomes Project 0.00120; 1000 Genomes Project 30x 0.00125.

Submissions (3):

CeGaT Center for Human Genetics Tuebingen
Classification: Likely benign. Last evaluated: 2025-04-01. Review status: criteria provided, single submitter. Criteria: CeGaT Center For Human Genetics Tuebingen Variant Classification Criteria Version 2. Collection method: clinical testing. Allele origin: germline. Affected: yes. Observed: 3 variant alleles.
Comment: SLC25A10: BP4, BS1

Mendelics
Classification: Benign for Mitochondrial DNA depletion syndrome 19. Last evaluated: 2024-01-23. Review status: criteria provided, single submitter. Criteria: ACMG Guidelines, 2015. Collection method: clinical testing. Allele origin: unknown.

PreventionGenetics, part of Exact Sciences
Classification: Likely benign for SLC25A10-related condition. Last evaluated: 2024-01-27. Review status: no assertion criteria provided. Collection method: clinical testing. Allele origin: germline. Not counted in ClinVar's aggregate classification.
Comment: This variant is classified as likely benign based on ACMG/AMP sequence variant interpretation guidelines (Richards et al. 2015 PMID: 25741868, with internal and published modifications).